The following is an entry in ClinVar:

ClinVar aggregate classification (germline): Uncertain significance. Review status: criteria provided, multiple submitters, no conflicts (2 of 4 stars). 2 submissions from 2 submitters: Uncertain significance (2). Last evaluated 2025-05-04.

Allele frequency attached by ClinVar (database versions not stated): gnomAD 0.00001; ExAC 0.00002; gnomAD exomes 0.00002; TOPMed 0.00004; ESP Exome Variant Server 0.00008.
gnomAD v4.1: 35 of 1,612,594 alleles (0.0022%); highest among the groups gnomAD compares: Non-Finnish European, 0.0026%; no homozygotes.

Submissions (2):

Ambry Genetics
Classification: Uncertain significance. Last evaluated: 2025-05-04. Review status: criteria provided, single submitter. Criteria: Ambry Variant Classification Scheme 2023. Collection method: clinical testing. Allele origin: germline.

Labcorp Genetics (formerly Invitae), Labcorp
Classification: Uncertain significance. Last evaluated: 2022-03-20. Review status: criteria provided, single submitter. Criteria: Invitae Variant Classification Sherloc (09022015). Collection method: clinical testing. Allele origin: germline.
Comment: In summary, the available evidence is currently insufficient to determine the role of this variant in disease. Therefore, it has been classified as a Variant of Uncertain Significance. Algorithms developed to predict the effect of missense changes on protein structure and function are either unavailable or do not agree on the potential impact of this missense change (SIFT: "Tolerated"; PolyPhen-2: "Probably Damaging"; Align-GVGD: "Class C0"). This variant has not been reported in the literature in individuals affected with MKL1-related conditions. This variant is present in population databases (rs149542196, gnomAD 0.003%). This sequence change replaces aspartic acid, which is acidic and polar, with asparagine, which is neutral and polar, at codon 121 of the MKL1 protein (p.Asp121Asn).

NM_020831.6(MRTFA):c.661G>A (p.Asp221Asn)

Gene: MRTFA (myocardin related transcription factor A; minus strand). Cytogenetic location: 22q13.1.
Variant type: single nucleotide variant.
Coding change: c.661G>A on transcript NM_020831.6 (MANE Select); coding-DNA position 661, G replaced by A.
Protein change: p.Asp221Asn; replaces aspartic acid 221 with asparagine.
Molecular consequence: missense variant.
Genome position (GRCh38, 1-based): chr22:40,424,322, C>T on the plus strand (G>A on the coding strand, the complement: MRTFA is on the minus strand). VCF-style: chr22-40424322-C-T. GRCh37 (hg19) VCF-style: chr22-40820326-C-T.
Other names: c.361G>A, p.Asp121Asn (NM_001282660.2); c.661G>A, p.Asp221Asn (NM_001282661.3, NM_001282662.3); c.466G>A, p.Asp156Asn (NM_001318139.2); c.361G>A (NM_020831.3); short protein forms D121N, D156N, D221N.
Identifiers: ClinVar variation 1683152 (VCV001683152.8), dbSNP rs149542196, ClinGen allele CA10249901.
Genomic context (GRCh38, chr22:40,424,322, plus strand): 5'-GGGGTGACGGCACAGAACCCTGGGACTCATGGCTGGCAGGCTGCTCGGGGGATAAGGCAT[C>T]GCTGCTGTCCTCATCGAAGGAAGAGCTGTCTGCTACTTTGGGATAGTTCACCTGGCCCAC-3'
Protein context (NP_065882.2, residues 211-231): DSSSFDEDSS[Asp221Asn]ALSPEQPASH